The following is an entry in ClinVar:

NM_001012720.2(RGR):c.799del (p.Leu267fs)

Gene: RGR (retinal G protein coupled receptor; plus strand). Cytogenetic location: 10q23.1.
Variant type: Deletion.
Coding change: c.799del on transcript NM_001012720.2 (MANE Select); coding-DNA position 799, one base deleted (C; older notation c.799delC).
Protein change: p.Leu267fs; shifts the reading frame from leucine 267.
Molecular consequence: frameshift variant.
Genome position (GRCh38, 1-based): chr10:84,258,562, C deleted; the last of 3 consecutive C bases (chr10:84,258,560-84,258,562); deleting any one gives the same sequence. VCF-style (leftmost placement, unchanged base first): chr10-84258559-GC-G. GRCh37 (hg19) VCF-style: chr10-86018315-GC-G.
Other names: c.685del, p.Leu229fs (NM_001012722.2); c.811del, p.Leu271fs (NM_002921.4); short protein forms L229fs, L271fs, L267fs.
Identifiers: ClinVar variation 2103071 (VCV002103071.4), dbSNP rs2492652740, ClinGen allele CA2580082205.

ClinVar aggregate classification (germline): Uncertain significance (1 of 4 stars; one submission).

Submission:

Labcorp Genetics (formerly Invitae), Labcorp
Classification: Uncertain significance. Last evaluated: 2022-03-16. Review status: criteria provided, single submitter. Criteria: Invitae Variant Classification Sherloc (09022015). Collection method: clinical testing. Allele origin: germline.
Comment: In summary, the available evidence is currently insufficient to determine the role of this variant in disease. Therefore, it has been classified as a Variant of Uncertain Significance. Experimental studies and prediction algorithms are not available or were not evaluated, and the functional significance of this variant is currently unknown. This variant has not been reported in the literature in individuals affected with RGR-related conditions. This variant is not present in population databases (gnomAD no frequency). This sequence change creates a premature translational stop signal (p.Leu267Trpfs*32) in the RGR gene. While this is not anticipated to result in nonsense mediated decay, it is expected to disrupt the last 25 amino acid(s) of the RGR protein.